The following is an entry in ClinVar:

NM_001365951.3(KIF1B):c.1517A>T (p.Glu506Val)

Gene: KIF1B (kinesin family member 1B; plus strand). Cytogenetic location: 1p36.22.
Variant type: single nucleotide variant.
Coding change: c.1517A>T on transcript NM_001365951.3 (MANE Select); coding-DNA position 1517, A replaced by T.
Protein change: p.Glu506Val; replaces glutamic acid 506 with valine.
Molecular consequence: missense variant.
Genome position (GRCh38, 1-based): chr1:10,292,049, A>T. VCF-style: chr1-10292049-A-T. GRCh37 (hg19) VCF-style: chr1-10352107-A-T.
Other names: c.1517A>T, p.Glu506Val (NM_001365952.1); c.1379A>T, p.Glu460Val (NM_001365953.1, NM_015074.3, NM_183416.4); short protein forms E460V, E506V.
Identifiers: ClinVar variation 3534102 (VCV003534102.1).

ClinVar aggregate classification (germline): Uncertain significance (1 of 4 stars; one submission).

Submission:

Ambry Genetics
Classification: Uncertain significance. Last evaluated: 2024-12-08. Review status: criteria provided, single submitter. Criteria: Ambry Variant Classification Scheme 2023. Collection method: clinical testing. Allele origin: germline.
Comment: The p.E460V variant (also known as c.1379A>T), located in coding exon 14 of the KIF1B gene, results from an A to T substitution at nucleotide position 1379. The glutamic acid at codon 460 is replaced by valine, an amino acid with dissimilar properties. This amino acid position is conserved. In addition, this alteration is predicted to be deleterious by in silico analysis. Based on the available evidence, the clinical significance of this variant remains unclear.